The following is an entry in ClinVar:

ClinVar aggregate classification (germline): Uncertain significance (1 of 4 stars; one submission).

Conditions:
Sulfite oxidase deficiency due to molybdenum cofactor deficiency type A. Also called: Molybdenum cofactor deficiency, complementation group A; Molybdenum Cofactor Deficiency A. Identifiers: Orphanet 308386, Orphanet 833, MedGen C1854988, MONDO:0009643, OMIM 252150.

Submission:

Labcorp Genetics (formerly Invitae), Labcorp
Classification: Uncertain significance for Sulfite oxidase deficiency due to molybdenum cofactor deficiency type A. Last evaluated: 2021-04-11. Review status: criteria provided, single submitter. Criteria: Invitae Variant Classification Sherloc (09022015). Collection method: clinical testing. Allele origin: germline.
Comment: This variant is not present in population databases (ExAC no frequency). This sequence change replaces proline with arginine at codon 129 of the MOCS1 protein (p.Pro129Arg). The proline residue is highly conserved and there is a moderate physicochemical difference between proline and arginine. This variant has not been reported in the literature in individuals with MOCS1-related conditions. Algorithms developed to predict the effect of missense changes on protein structure and function are either unavailable or do not agree on the potential impact of this missense change (SIFT: "Deleterious"; PolyPhen-2: "Probably Damaging"; Align-GVGD: "Class C0"). In summary, the available evidence is currently insufficient to determine the role of this variant in disease. Therefore, it has been classified as a Variant of Uncertain Significance.

NM_001358530.2(MOCS1):c.386C>G (p.Pro129Arg)

Gene: MOCS1 (molybdenum cofactor synthesis 1; minus strand). Cytogenetic location: 6p21.2.
Variant type: single nucleotide variant.
Coding change: c.386C>G on transcript NM_001358530.2 (MANE Select); coding-DNA position 386, C replaced by G.
Protein change: p.Pro129Arg; replaces proline 129 with arginine.
Molecular consequence: missense variant. On other transcripts: non-coding transcript variant (1).
Genome position (GRCh38, 1-based): chr6:39,925,710, G>C on the plus strand (C>G on the coding strand, the complement: MOCS1 is on the minus strand). VCF-style: chr6-39925710-G-C. GRCh37 (hg19) VCF-style: chr6-39893454-G-C.
Other names: c.386C>G, p.Pro129Arg (NM_001075098.4, NM_001358529.2, NM_005943.6); c.125C>G, p.Pro42Arg (NM_001358531.2, NM_001358533.2, NM_001358534.2); short protein forms P129R, P42R.
Identifiers: ClinVar variation 1466014 (VCV001466014.8), dbSNP rs777815200, ClinGen allele CA364044667.
Genomic context (GRCh38, chr6:39,925,710, plus strand): 5'-AAGTGGCGATGACTTTCGTCCAACTCACCCACAATGTCCACCACGTCCGGCCGGATAAGC[G>C]GCTCTCCACCTGTGAGCCGGATCTTGTCGATGCCTTCCTTCACAAAGAGCCGGGCGAGGG-3'
Protein context (NP_001345459.1, residues 119-139): IDKIRLTGGE[Pro129Arg]LIRPDVVDIV